The following is an entry in ClinVar:

NM_000321.3(RB1):c.34_39dup (p.Ala13_Ala14insThrAla)

Gene: RB1 (RB transcriptional corepressor 1; plus strand). Cytogenetic location: 13q14.2.
Variant type: Duplication.
Coding change: c.34_39dup on transcript NM_000321.3 (MANE Select); coding-DNA positions 34 to 39, 6 bases duplicated (ACCGCC; older notation c.34_39dupACCGCC).
Protein change: p.Ala13_Ala14insThrAla.
Molecular consequence: inframe insertion.
Genome position (GRCh38, 1-based): chr13:48,303,946-48,303,951, ACCGCC duplicated; duplicating any 6 consecutive bases within chr13:48,303,941-48,303,951 gives the same sequence; the c. name uses the placement nearest the transcript's 3' end. VCF-style (leftmost placement, unchanged base first): chr13-48303940-G-GCCGCCA. GRCh37 (hg19) VCF-style: chr13-48878076-G-GCCGCCA.
Other names: c.34_39dup, p.Ala13_Ala14insThrAla (NM_001407165.1, NM_001407166.1, NM_001407167.1).
Identifiers: ClinVar variation 3001395 (VCV003001395.3), dbSNP rs2542093323, ClinGen allele CA2740097664.

ClinVar aggregate classification (germline): Uncertain significance (1 of 4 stars; one submission).

Conditions:
Retinoblastoma (RB1). Also called: RETINOBLASTOMA, SOMATIC. Identifiers: Orphanet 790, MedGen C0035335, MeSH D012175, MONDO:0008380, OMIM 180200, HP:0009919. Disease mechanism: loss of function. Inheritance: Both sporadic and heritable forms are tested..

Submission:

Labcorp Genetics (formerly Invitae), Labcorp
Classification: Uncertain significance for Retinoblastoma. Last evaluated: 2023-06-22. Review status: criteria provided, single submitter. Criteria: Invitae Variant Classification Sherloc (09022015). Collection method: clinical testing. Allele origin: germline.
Comment: In summary, the available evidence is currently insufficient to determine the role of this variant in disease. Therefore, it has been classified as a Variant of Uncertain Significance. This variant has not been reported in the literature in individuals affected with RB1-related conditions. This variant is not present in population databases (gnomAD no frequency). This variant, c.34_39dup, results in the insertion of 2 amino acid(s) of the RB1 protein (p.Thr12_Ala13dup), but otherwise preserves the integrity of the reading frame.